The following is an entry in ClinVar:

NM_001033044.4(GLUL):c.830dup (p.Ser278fs)

Gene: GLUL (glutamate-ammonia ligase; minus strand). Cytogenetic location: 1q25.3.
Variant type: Duplication.
Coding change: c.830dup on transcript NM_001033044.4 (MANE Select); coding-DNA position 830, one base duplicated (T; older notation c.830dupT).
Protein change: p.Ser278fs; shifts the reading frame from serine 278.
Molecular consequence: frameshift variant.
Genome position (GRCh38, 1-based): chr1:182,384,697, A duplicated on the plus strand (T on the coding strand, the reverse complement: GLUL is on the minus strand). VCF-style (leftmost placement, unchanged base first): chr1-182384696-T-TA. GRCh37 (hg19) VCF-style: chr1-182353831-T-TA.
Other names: c.830dup, p.Ser278fs (NM_001033056.4, NM_002065.7); short protein forms S278fs.
Identifiers: ClinVar variation 3769701 (VCV003769701.1).
Genomic context (GRCh38, chr1:182,384,696, plus strand): 5'-GGCATTGTCCAGGCCTCCCTTGGGATCATAGGCACGGATGTGGTACTGGTGCCGCTTGCT[T>TA]AGTTTCTCAATGGCCTCCTCGATGTACCTAGAGTAAACAGAAAAGATGGCAGTCCAACCT-3'

ClinVar aggregate classification (germline): Uncertain significance (1 of 4 stars; one submission).

Submission:

GeneDx
Classification: Uncertain significance. Last evaluated: 2024-09-13. Review status: criteria provided, single submitter. Criteria: GeneDx Variant Classification Process June 2021. Collection method: clinical testing. Allele origin: germline. Affected: yes.
Comment: Frameshift variant predicted to result in abnormal protein length as the last 96 amino acids are replaced with 11 different amino acids; Not observed at significant frequency in large population cohorts (gnomAD); Has not been previously published as pathogenic or benign to our knowledge